The following is an entry in ClinVar:

ClinVar aggregate classification (germline): Pathogenic (1 of 4 stars; one submission).

Conditions:
Familial infantile myasthenia (CMS6). Also called: Congenital myasthenic syndrome type 6; MYASTHENIC SYNDROME, CONGENITAL, 6, PRESYNAPTIC; MYASTHENIC SYNDROME, PRESYNAPTIC, CONGENITAL, ASSOCIATED WITH EPISODIC APNEA. Identifiers: Orphanet 590, MedGen C0393929, MONDO:0009689, OMIM 254210.

Allele frequency attached by ClinVar (database versions not stated): gnomAD exomes 0.00001.
gnomAD v4.1: 10 of 1,613,874 alleles (0.00062%); highest among the groups gnomAD compares: Non-Finnish European, 0.00076%; no homozygotes.

Submission:

Labcorp Genetics (formerly Invitae), Labcorp
Classification: Pathogenic for Familial infantile myasthenia. Last evaluated: 2023-02-17. Review status: criteria provided, single submitter. Criteria: Invitae Variant Classification Sherloc (09022015). Collection method: clinical testing. Allele origin: germline.
Comment: For these reasons, this variant has been classified as Pathogenic. This variant has not been reported in the literature in individuals affected with CHAT-related conditions. This variant is not present in population databases (gnomAD no frequency). This sequence change creates a premature translational stop signal (p.Trp421*) in the CHAT gene. It is expected to result in an absent or disrupted protein product. Loss-of-function variants in CHAT are known to be pathogenic (PMID: 12548525, 21786365, 23292760).

Literature cited by the submitters: PubMed 12548525; PubMed 21786365; PubMed 23292760.

NM_020549.5(CHAT):c.1263G>A (p.Trp421Ter)

Gene: CHAT (choline O-acetyltransferase; plus strand). Cytogenetic location: 10q11.23.
Variant type: single nucleotide variant.
Coding change: c.1263G>A on transcript NM_020549.5 (MANE Select); coding-DNA position 1263, G replaced by A.
Protein change: p.Trp421Ter; replaces tryptophan 421 with a stop codon.
Molecular consequence: nonsense.
Genome position (GRCh38, 1-based): chr10:49,646,656, G>A. VCF-style: chr10-49646656-G-A. GRCh37 (hg19) VCF-style: chr10-50854702-G-A.
Other names: c.909G>A, p.Trp303Ter (NM_001142929.2, NM_001142934.2, NM_020984.4 and 2 more transcripts); c.1017G>A, p.Trp339Ter (NM_001142933.2); short protein forms W303*, W339*, W421*.
Identifiers: ClinVar variation 2838442 (VCV002838442.3), dbSNP rs2538855696, ClinGen allele CA376740804.